The following is an entry in ClinVar:

NM_001384474.1(LOXHD1):c.4102del (p.Asp1368fs)

Gene: LOXHD1 (lipoxygenase homology PLAT domains 1; minus strand). Cytogenetic location: 18q21.1.
Variant type: Deletion.
Coding change: c.4102del on transcript NM_001384474.1 (MANE Select); coding-DNA position 4102, one base deleted (G; older notation c.4102delG).
Protein change: p.Asp1368fs; shifts the reading frame from aspartic acid 1368.
Molecular consequence: frameshift variant.
Genome position (GRCh38, 1-based): chr18:46,534,445, C deleted on the plus strand (G on the coding strand, the reverse complement: LOXHD1 is on the minus strand). VCF-style (leftmost placement, unchanged base first): chr18-46534444-TC-T. GRCh37 (hg19) VCF-style: chr18-44114407-TC-T.
Other names: c.481del, p.Asp161fs (NM_001308013.2); c.4102del, p.Asp1368fs (NM_144612.7); c.769del, p.Asp257fs (NM_001145472.3); short protein forms D1368fs, D161fs, D257fs.
Identifiers: ClinVar variation 4069983 (VCV004069983.2).

ClinVar aggregate classification (germline): Likely pathogenic (1 of 4 stars; one submission).

Conditions:
Autosomal recessive nonsyndromic hearing loss 77. Identifiers: Orphanet 90636, MedGen C2746083, MONDO:0013119, OMIM 613079.

Submission:

Natera, Inc.
Classification: Likely pathogenic for Autosomal recessive deafness type 77. Last evaluated: 2025-05-29. Review status: criteria provided, single submitter. Criteria: Natera Variant Classification Schema (03/2026). Collection method: clinical testing. Allele origin: germline.
Comment: The c.4102del variant in LOXHD1 is a frameshift variant predicted to shift the reading frame beginning at codon 1368 and leads to a stop codon 18 codons downstream. This variant is expected to result in nonsense mediated decay, truncation, or a dysfunctional protein product. This variant is rare in the general population with a frequency below the threshold expected for the associated phenotype(s). Given the available evidence, this variant is classified as Likely Pathogenic.